The following is an entry in ClinVar:

NM_001242896.3(DEPDC5):c.2620C>T (p.Arg874Ter)

Gene: DEPDC5 (DEP domain containing 5, GATOR1 subcomplex subunit; plus strand). Cytogenetic location: 22q12.3.
Variant type: single nucleotide variant.
Coding change: c.2620C>T on transcript NM_001242896.3 (MANE Select); coding-DNA position 2620, C replaced by T.
Protein change: p.Arg874Ter; replaces arginine 874 with a stop codon.
Molecular consequence: nonsense. On other transcripts: non-coding transcript variant (5).
Genome position (GRCh38, 1-based): chr22:31,843,199, C>T. VCF-style: chr22-31843199-C-T. GRCh37 (hg19) VCF-style: chr22-32239185-C-T.
Other names: c.2593C>T, p.Arg865Ter (NM_001136029.4, NM_001369903.1, NM_014662.6); c.2386C>T, p.Arg796Ter (NM_001242897.2, NM_001363854.2, NM_001364319.2); c.2620C>T, p.Arg874Ter (NM_001363852.2, NM_001364318.2, NM_001364320.2); c.2536C>T, p.Arg846Ter (NM_001369901.1, NM_001369902.1); short protein forms R796*, R874*, R846*, R865*.
Identifiers: ClinVar variation 264737 (VCV000264737.14), dbSNP rs578185749, ClinGen allele CA10588047.

ClinVar aggregate classification (germline): Pathogenic. Review status: criteria provided, multiple submitters, no conflicts (2 of 4 stars). 5 submissions from 5 submitters: Pathogenic (4). 1 of the submissions does not count toward it. Last evaluated 2026-01-11.

Conditions:
Familial focal epilepsy with variable foci (FPEVF). Identifiers: Orphanet 98820, MedGen C1858477, MONDO:0020310.
Epilepsy, familial focal, with variable foci 1 (FFEVF1). Also called: DEPDC5-Related Epilepsy. Identifiers: MedGen C4551983, MONDO:0024556, OMIM 604364.

Allele frequency attached by ClinVar (database versions not stated): gnomAD exomes below 0.00001.
gnomAD v4.1: 2 of 1,613,730 alleles (0.00012%); highest among the groups gnomAD compares: Non-Finnish European, 0.000085%; no homozygotes.

Submissions (5):

Labcorp Genetics (formerly Invitae), Labcorp
Classification: Pathogenic for Familial focal epilepsy with variable foci. Last evaluated: 2026-01-11. Review status: criteria provided, single submitter. Criteria: Invitae Variant Classification Sherloc (09022015). Collection method: clinical testing. Allele origin: germline.
Comment: This sequence change creates a premature translational stop signal (p.Arg874*) in the DEPDC5 gene. It is expected to result in an absent or disrupted protein product. Loss-of-function variants in DEPDC5 are known to be pathogenic (PMID: 23542697, 23542701). This variant is not present in population databases (gnomAD no frequency). This premature translational stop signal has been observed in individual(s) with epilepsy (PMID: 24591017, 30093711). It has also been observed to segregate with disease in related individuals. ClinVar contains an entry for this variant (Variation ID: 264737). For these reasons, this variant has been classified as Pathogenic.

Neuberg Centre For Genomic Medicine, NCGM
Classification: Pathogenic for Epilepsy, familial focal, with variable foci 1. Last evaluated: 2023-03-01. Review status: criteria provided, single submitter. Criteria: ACMG Guidelines, 2015. Collection method: clinical testing. Allele origin: germline. Inheritance: Autosomal dominant inheritance. Affected: yes.
Comment: The stop gained variant c.2620C>T(p.Arg874Ter) in the DEPDC5 gene has been reported previously in heterozygous state in multiple individuals affected with focal epilepsies (Lal D, et al., 2014; Baldassari S, et al., 2016). This variant is novel in the gnomAD Exomes and 1000 Genomes. It is submitted to ClinVar as Pathogenic. This variant is predicted to cause loss of normal protein function either through protein truncation or nonsense-mediated mRNA decay. Loss of function variants have been previously reported to be disease causing. For these reasons, this variant has been classified as Pathogenic.

GeneDx
Classification: Pathogenic. Last evaluated: 2022-06-02. Review status: criteria provided, single submitter. Criteria: GeneDx Variant Classification Process June 2021. Collection method: clinical testing. Allele origin: germline. Affected: yes.
Comment: Reported previously as p.(R865*) due to alternate nomenclature in three family members with seizures and/or intellectual disability (Lal et al., 2014); Reported previously in an individual with seizures; inherited from the father with somnambulism (Baldassari et al., 2019); Nonsense variant predicted to result in protein truncation or nonsense mediated decay in a gene for which loss-of-function is a known mechanism of disease; Not observed in large population cohorts (gnomAD); This variant is associated with the following publications: (PMID: 30093711, 29281825, 32574724, 34196989, 33949696, 33741238, 24591017)

Institute of Human Genetics, University Hospital of Duesseldorf
Classification: Pathogenic for Epilepsy, familial focal, with variable foci 1. Review status: criteria provided, single submitter. Criteria: ACMG Guidelines, 2015. Collection method: not provided. Allele origin: germline. Inheritance: Autosomal dominant inheritance. Affected: yes.

GeneReviews
No classification provided. Condition: Epilepsy, familial focal, with variable foci 1. Review status: no classification provided. Collection method: literature only. Allele origin: germline. Affected: yes. Not counted in ClinVar's aggregate classification.

Literature cited by the submitters: PubMed 23542697 (cited by Labcorp Genetics (formerly Invitae), Labcorp); PubMed 23542701 (cited by Labcorp Genetics (formerly Invitae), Labcorp); PubMed 24591017 (cited by Labcorp Genetics (formerly Invitae), Labcorp and GeneReviews); PubMed 30093711 (cited by Labcorp Genetics (formerly Invitae), Labcorp); NCBI Bookshelf NBK385626 (cited by GeneReviews).